The following is an entry in ClinVar:

NM_000516.7(GNAS):c.257+978A>G

Gene: GNAS (GNAS complex locus; plus strand). Cytogenetic location: 20q13.32.
Variant type: single nucleotide variant.
Coding change: c.257+978A>G on transcript NM_000516.7 (MANE Select); 978 bases into the intron after coding-DNA position 257, A replaced by G.
Molecular consequence: intron variant. On other transcripts: 3 prime UTR variant (2), non-coding transcript variant (2).
Genome position (GRCh38, 1-based): chr20:58,899,963, A>G. VCF-style: chr20-58899963-A-G. GRCh37 (hg19) VCF-style: chr20-57475018-A-G.
Other names: c.*8A>G (NM_001309842.2); c.*291A>G (NM_001309883.1); c.*160+978A>G (NM_016592.5); c.161+978A>G (NM_001410912.1); c.80+978A>G (NM_001309861.2, NM_001439291.1, NM_001309840.2 and 1 more transcripts); c.*118+978A>G (NM_001077490.3); c.2186+978A>G (NM_080425.4); c.2142-3568A>G (NM_001410913.1); and 4 more.
Identifiers: ClinVar variation 4988714 (VCV004988714.1).
Genomic context (GRCh38, chr20:58,899,963, plus strand): 5'-TGGGGACAAAGTAACTGACACATGTTTGTTCATCTGTTTCTTTTAGAATATAATATCCCT[A>G]GATGATGGCTACAGTTTCTCATCTTCCCGGCTATGTCCTATCACAATTTGCATGCTGGAA-3'

ClinVar aggregate classification (germline): Likely benign (1 of 4 stars; one submission).

Conditions:
GNAS-related disorder. Identifiers: MedGen CN380105.

Submission:

PreventionGenetics, part of Exact Sciences
Classification: Likely benign for GNAS-related condition. Last evaluated: 2025-06-25. Review status: criteria provided, single submitter. Criteria: ACMG Guidelines, 2015. Collection method: clinical testing. Allele origin: germline.
Comment: This variant is classified as likely benign based on ACMG/AMP sequence variant interpretation guidelines (Richards et al. 2015 PMID: 25741868, with internal and published modifications).